The following is an entry in ClinVar:

NM_020549.5(CHAT):c.2228G>T (p.Ser743Ile)

Gene: CHAT (choline O-acetyltransferase; plus strand). Cytogenetic location: 10q11.23.
Variant type: single nucleotide variant.
Coding change: c.2228G>T on transcript NM_020549.5 (MANE Select); coding-DNA position 2228, G replaced by T.
Protein change: p.Ser743Ile; replaces serine 743 with isoleucine.
Molecular consequence: missense variant.
Genome position (GRCh38, 1-based): chr10:49,665,027, G>T. VCF-style: chr10-49665027-G-T. GRCh37 (hg19) VCF-style: chr10-50873073-G-T.
Other names: c.1874G>T, p.Ser625Ile (NM_001142929.2, NM_001142934.2, NM_020984.4 and 2 more transcripts); c.1982G>T, p.Ser661Ile (NM_001142933.2); short protein forms S625I, S661I, S743I.
Identifiers: ClinVar variation 945431 (VCV000945431.9), dbSNP rs1840310830, ClinGen allele CA376715096.

ClinVar aggregate classification (germline): Uncertain significance (1 of 4 stars; one submission).

Conditions:
Familial infantile myasthenia (CMS6). Also called: MYASTHENIC SYNDROME, PRESYNAPTIC, CONGENITAL, ASSOCIATED WITH EPISODIC APNEA; MYASTHENIC SYNDROME, CONGENITAL, 6, PRESYNAPTIC; Congenital myasthenic syndrome type 6. Identifiers: Orphanet 590, MedGen C0393929, MONDO:0009689, OMIM 254210.

Submission:

Labcorp Genetics (formerly Invitae), Labcorp
Classification: Uncertain significance for Familial infantile myasthenia. Last evaluated: 2022-03-18. Review status: criteria provided, single submitter. Criteria: Invitae Variant Classification Sherloc (09022015). Collection method: clinical testing. Allele origin: germline.
Comment: This sequence change replaces serine, which is neutral and polar, with isoleucine, which is neutral and non-polar, at codon 743 of the CHAT protein (p.Ser743Ile). This variant is not present in population databases (gnomAD no frequency). This variant has not been reported in the literature in individuals affected with CHAT-related conditions. ClinVar contains an entry for this variant (Variation ID: 945431). Advanced modeling of protein sequence and biophysical properties (such as structural, functional, and spatial information, amino acid conservation, physicochemical variation, residue mobility, and thermodynamic stability) performed at Invitae indicates that this missense variant is not expected to disrupt CHAT protein function. In summary, the available evidence is currently insufficient to determine the role of this variant in disease. Therefore, it has been classified as a Variant of Uncertain Significance.